The following is an entry in ClinVar:

ClinVar aggregate classification (germline): Uncertain significance (1 of 4 stars; one submission).

Conditions:
Familial adenomatous polyposis 1 (FAP1). Also called: FAMILIAL ADENOMATOUS POLYPOSIS 1, ATTENUATED; POLYPOSIS, ADENOMATOUS INTESTINAL. Identifiers: MedGen C2713442, MONDO:0021056, OMIM 175100. Disease mechanism: loss of function.

Allele frequency attached by ClinVar (database versions not stated): TOPMed 0.00001.

Submission:

Labcorp Genetics (formerly Invitae), Labcorp
Classification: Uncertain significance for Familial adenomatous polyposis 1. Last evaluated: 2025-08-18. Review status: criteria provided, single submitter. Criteria: Invitae Variant Classification Sherloc (09022015). Collection method: clinical testing. Allele origin: germline.
Comment: This variant occurs in a non-coding region of the APC gene. It does not change the encoded amino acid sequence of the APC protein. This variant is not present in population databases (gnomAD no frequency). This variant has not been reported in the literature in individuals affected with APC-related conditions. ClinVar contains an entry for this variant (Variation ID: 645010). Experimental studies and prediction algorithms are not available or were not evaluated, and the functional significance of this variant is currently unknown. In summary, the available evidence is currently insufficient to determine the role of this variant in disease. Therefore, it has been classified as a Variant of Uncertain Significance.

NM_001127511.3(APC):c.-108C>A

Gene: APC (APC regulator of Wnt signaling pathway; plus strand). Cytogenetic location: 5q22.2.
Variant type: single nucleotide variant.
Coding change: c.-108C>A on transcript NM_001127511.3; 108 bases upstream of the start codon, C replaced by A.
Molecular consequence: 5 prime UTR variant. On other transcripts: non-coding transcript variant (2).
Genome position (GRCh38, 1-based): chr5:112,707,610, C>A. VCF-style: chr5-112707610-C-A. GRCh37 (hg19) VCF-style: chr5-112043307-C-A.
Other names: c.-291C>A (NM_001354895.2, NM_001407447.1, NM_001407452.1 and 3 more transcripts); c.-108C>A (NM_001354897.2, NM_001354902.2, NM_001407446.1); c.-58C>A (NM_001407448.1, NM_001407450.1, NM_001407457.1 and 1 more transcripts); c.-82C>A (NM_001407453.1); c.-1326C>A (NM_001407470.1, NM_001407472.1).
Identifiers: ClinVar variation 645010 (VCV000645010.9), dbSNP rs561513597, ClinGen allele CA124925034.
Genomic context (GRCh38, chr5:112,707,610, plus strand): 5'-GGCGGGGTGTGGCCGCCGGAAGCCTAGCCGCTGCTCGGGGGGGACCTGCGGGCTCAGGCC[C>A]GGGAGCTGCGGACCGAGGTTGGCTCGATGCTGTTCCCAGGTACTGTTGTTGGCTGTTGGT-3'